The following is an entry in ClinVar:

ClinVar aggregate classification (germline): Likely benign. Review status: criteria provided, multiple submitters, no conflicts (2 of 4 stars). 3 submissions from 3 submitters: Likely benign (3). Last evaluated 2025-02-01.

Conditions:
Vici syndrome (VICIS). Identifiers: Orphanet 1493, MedGen C1855772, MONDO:0009452, OMIM 242840.

gnomAD v4.1: 26 of 1,614,020 alleles (0.0016%); highest among the groups gnomAD compares: South Asian, 0.0033%; 1 homozygote.

Submissions (3):

CeGaT Center for Human Genetics Tuebingen
Classification: Likely benign. Last evaluated: 2025-02-01. Review status: criteria provided, single submitter. Criteria: CeGaT Center For Human Genetics Tuebingen Variant Classification Criteria Version 2. Collection method: clinical testing. Allele origin: germline. Affected: yes. Observed: 1 variant allele.
Comment: EPG5: BP4, BP7

Blueprint Genetics
Classification: Likely benign. Last evaluated: 2024-10-08. Review status: criteria provided, single submitter. Criteria: ACMG Guidelines, 2015. Collection method: clinical testing. Allele origin: germline.

Labcorp Genetics (formerly Invitae), Labcorp
Classification: Likely benign for Vici syndrome. Last evaluated: 2024-01-19. Review status: criteria provided, single submitter. Criteria: Invitae Variant Classification Sherloc (09022015). Collection method: clinical testing. Allele origin: germline.

NM_020964.3(EPG5):c.2880C>G (p.Pro960=)

Gene: EPG5 (ectopic P-granules 5 autophagy tethering factor; minus strand). Cytogenetic location: 18q21.1.
Variant type: single nucleotide variant.
Coding change: c.2880C>G on transcript NM_020964.3 (MANE Select); coding-DNA position 2880, C replaced by G.
Protein change: p.Pro960=; no amino-acid change (proline 960 retained).
Molecular consequence: synonymous variant.
Genome position (GRCh38, 1-based): chr18:45,922,559, G>C on the plus strand (C>G on the coding strand, the complement: EPG5 is on the minus strand). VCF-style: chr18-45922559-G-C. GRCh37 (hg19) VCF-style: chr18-43502525-G-C.
Other names: c.2880C>G, p.Pro960= (NM_001410858.1, NM_001410859.1).
Identifiers: ClinVar variation 1931720 (VCV001931720.19), dbSNP rs577918967, ClinGen allele CA8949307.
Genomic context (GRCh38, chr18:45,922,559, plus strand): 5'-GTTTTTGTGCAGTTTTAGCCTCAAGATTAAATTCCAGGCCCATTGGTTAAATGAGGTCTC[G>C]GGTGTCTCTCCATATCGAACAATACTGGCCAAATATGAAACCTAAAACAATTATTTATTT-3'
Protein context (NP_066015.2, residues 950-970): LASIVRYGET[Pro960=]ETSFNQWAWN